The following is an entry in ClinVar:

NM_005751.5(AKAP9):c.5568A>T (p.Lys1856Asn)

Gene: AKAP9 (A-kinase anchoring protein 9; plus strand). Cytogenetic location: 7q21.2.
Variant type: single nucleotide variant.
Coding change: c.5568A>T on transcript NM_005751.5 (MANE Select); coding-DNA position 5568, A replaced by T.
Protein change: p.Lys1856Asn; replaces lysine 1856 with asparagine.
Molecular consequence: missense variant.
Genome position (GRCh38, 1-based): chr7:92,052,925, A>T. VCF-style: chr7-92052925-A-T. GRCh37 (hg19) VCF-style: chr7-91682239-A-T.
Other names: c.5568A>T, p.Lys1856Asn (NM_147185.3); short protein forms K1856N.
Identifiers: ClinVar variation 264569 (VCV000264569.5), dbSNP rs886039192, ClinGen allele CA10587654.
Genomic context (GRCh38, chr7:92,052,925, plus strand): 5'-CCCTGAAAATGAAGAACTTATGCTGAACATTAGCTCTCGACTACAAGCAGCAGTTGAAAA[A>T]CTCCTAGAAGCCATAAGTGAAACTAGCAGTCAGGTAACCTCCTTATATTGCTAATATGTA-3'
Protein context (NP_005742.4, residues 1846-1866): ISSRLQAAVE[Lys1856Asn]LLEAISETSS

ClinVar aggregate classification (germline): Uncertain significance (1 of 4 stars; one submission).

Conditions:
Cardiovascular phenotype. Identifiers: MedGen CN230736.

gnomAD v4.1: 5 of 1,612,920 alleles (0.00031%); highest among the groups gnomAD compares: South Asian, 0.0055%; no homozygotes.

Submission:

Ambry Genetics
Classification: Uncertain significance for Cardiovascular phenotype. Last evaluated: 2015-12-07. Review status: criteria provided, single submitter. Criteria: Ambry Variant Classification Scheme 2023. Collection method: clinical testing. Allele origin: germline.
Comment: The p.K1856N variant (also known as c.5568A>T), located in coding exon 22 of the AKAP9 gene, results from an A to T substitution at nucleotide position 5568. The lysine at codon 1856 is replaced by asparagine, an amino acid with some similar properties. This variant was not reported in population based cohorts in the following databases: Database of Single Nucleotide Polymorphisms (dbSNP), NHLBI Exome Sequencing Project (ESP), and 1000 Genomes Project. In the ESP, this variant was not observed in 6503 samples (13006 alleles) with coverage at this position. This amino acid position is highly conserved in available vertebrate species. In addition, this alteration is predicted to be tolerated by in silico analysis. Since supporting evidence is limited at this time, the clinical significance of this variant remains unclear.